The following is an entry in ClinVar:

ClinVar aggregate classification (germline): Uncertain significance. Review status: criteria provided, multiple submitters, no conflicts (2 of 4 stars). 2 submissions from 2 submitters: Uncertain significance (2). Last evaluated 2024-12-13.

Conditions:
PKHD1-related disorder. Also called: PKHD1-related condition.

Allele frequency attached by ClinVar (database versions not stated): gnomAD exomes 0.00001 and 0.00003; ExAC 0.00003; gnomAD 0.00005 and 0.00006; TOPMed 0.00005.
gnomAD v4.1: 25 of 1,614,036 alleles (0.0015%); highest among the groups gnomAD compares: Admixed American, 0.013%; no homozygotes.

Submissions (2):

PreventionGenetics, part of Exact Sciences
Classification: Uncertain significance for PKHD1-related condition. Last evaluated: 2024-12-13. Review status: criteria provided, single submitter. Criteria: ACMG Guidelines, 2015. Collection method: clinical testing. Allele origin: germline.
Comment: The PKHD1 c.3729G>A variant is not predicted to result in an amino acid change (p.=). This variant is predicted to create a cryptic splice acceptor site based on available prediction algorithms (Alamut Visual Plus v1.6.1). To our knowledge, this variant has not been reported in the literature. This variant is reported in 0.019% of alleles in individuals of African descent in gnomAD. At this time, the clinical significance of this variant is uncertain due to the absence of conclusive functional and genetic evidence.

Eurofins Ntd Llc (ga)
Classification: Uncertain significance. Last evaluated: 2017-08-08. Review status: criteria provided, single submitter. Criteria: EGL Classification Definitions 2015. Collection method: clinical testing. Allele origin: germline. Observed: 2 variant alleles, 2 heterozygotes.

NM_138694.4(PKHD1):c.3729G>A (p.Thr1243=)

Gene: PKHD1 (PKHD1 ciliary IPT domain containing fibrocystin/polyductin; minus strand). Cytogenetic location: 6p12.2.
Variant type: single nucleotide variant.
Coding change: c.3729G>A on transcript NM_138694.4 (MANE Select); coding-DNA position 3729, G replaced by A.
Protein change: p.Thr1243=; no amino-acid change (threonine 1243 retained).
Molecular consequence: synonymous variant.
Genome position (GRCh38, 1-based): chr6:52,026,081, C>T on the plus strand (G>A on the coding strand, the complement: PKHD1 is on the minus strand). VCF-style: chr6-52026081-C-T. GRCh37 (hg19) VCF-style: chr6-51890879-C-T.
Other names: c.3729G>A, p.Thr1243= (NM_170724.3); c.3729G>A (NM_138694.3).
Identifiers: ClinVar variation 281723 (VCV000281723.6), dbSNP rs759084914, ClinGen allele CA3852854.